The following is an entry in ClinVar:

NM_006031.6(PCNT):c.6677C>T (p.Ser2226Phe)

Gene: PCNT (pericentrin; plus strand). Cytogenetic location: 21q22.3.
Variant type: single nucleotide variant.
Coding change: c.6677C>T on transcript NM_006031.6 (MANE Select); coding-DNA position 6677, C replaced by T.
Protein change: p.Ser2226Phe; replaces serine 2226 with phenylalanine.
Molecular consequence: missense variant.
Genome position (GRCh38, 1-based): chr21:46,416,595, C>T. VCF-style: chr21-46416595-C-T. GRCh37 (hg19) VCF-style: chr21-47836509-C-T.
Other names: c.6323C>T, p.Ser2108Phe (NM_001315529.2); short protein forms S2108F, S2226F.
Identifiers: ClinVar variation 4997032 (VCV004997032.1).
Genomic context (GRCh38, chr21:46,416,595, plus strand): 5'-CTGCAGAGGCTGGGCCCCGGAAGAGCCCGGTCGGGATGCTGGACCTGTCTTCCTGGAGCT[C>T]CCCTGAGGTCCTCAGGAAGGACTGGACCCTGGAGCCCTGGCCCAGCCTCCCCGTGACACC-3'
Protein context (NP_006022.3, residues 2216-2236): VGMLDLSSWS[Ser2226Phe]PEVLRKDWTL

ClinVar aggregate classification (germline): Uncertain significance (1 of 4 stars; one submission).

Conditions:
PCNT-related disorder. Also called: PCNT-related condition.

gnomAD v4.1: 7 of 1,603,370 alleles (0.00044%); highest among the groups gnomAD compares: South Asian, 0.0067%; no homozygotes.

Submission:

PreventionGenetics, part of Exact Sciences
Classification: Uncertain significance for PCNT-related condition. Last evaluated: 2024-10-23. Review status: criteria provided, single submitter. Criteria: ACMG Guidelines, 2015. Collection method: clinical testing. Allele origin: germline.
Comment: The PCNT c.6677C>T variant is predicted to result in the amino acid substitution p.Ser2226Phe. To our knowledge, this variant has not been reported in the literature. This variant is reported in 0.0070% of alleles in individuals of South Asian descent in gnomAD. At this time, the clinical significance of this variant is uncertain due to the absence of conclusive functional and genetic evidence.